The following is an entry in ClinVar:

NM_000179.3(MSH6):c.333C>G (p.Tyr111Ter)

Gene: MSH6 (mutS homolog 6; plus strand). Cytogenetic location: 2p16.3.
Variant type: single nucleotide variant.
Coding change: c.333C>G on transcript NM_000179.3 (MANE Select); coding-DNA position 333, C replaced by G.
Protein change: p.Tyr111Ter; replaces tyrosine 111 with a stop codon.
Molecular consequence: nonsense. On other transcripts: 5 prime UTR variant (2), intron variant (1).
Genome position (GRCh38, 1-based): chr2:47,790,999, C>G. VCF-style: chr2-47790999-C-G. GRCh37 (hg19) VCF-style: chr2-48018138-C-G.
Other names: c.-404C>G (NM_001281493.2); c.-570C>G (NM_001281494.2); c.237+7529C>G (NM_001281492.2); short protein forms Y111*.
Identifiers: ClinVar variation 1076375 (VCV001076375.11), dbSNP rs786202772, ClinGen allele CA346736953.

ClinVar aggregate classification (germline): Pathogenic. Review status: criteria provided, multiple submitters, no conflicts (2 of 4 stars). 4 submissions from 4 submitters: Pathogenic (4). Last evaluated 2025-05-26.

Conditions:
Hereditary cancer-predisposing syndrome. Also called: Hereditary neoplastic syndrome; Neoplastic Syndromes, Hereditary; Tumor predisposition; Hereditary Cancer Syndrome. Identifiers: Orphanet 140162, MedGen C0027672, MeSH D009386, MONDO:0015356.
Hereditary nonpolyposis colorectal neoplasms. Identifiers: MedGen C0009405, MeSH D003123.
Lynch syndrome 5 (LYNCH5). Also called: Colorectal cancer, hereditary nonpolyposis, type 5; Hereditary non-polyposis colorectal cancer, type 5. Identifiers: Orphanet 144, MedGen C1833477, MONDO:0013710, OMIM 614350. Disease mechanism: loss of function.

Submissions (4):

Dasa
Classification: Pathogenic. Last evaluated: 2025-05-26. Review status: criteria provided, single submitter. Criteria: DASA Assertion Criteria. Collection method: clinical testing. Allele origin: germline.
Comment: NM_000179.3(MSH6):c.333C>G (p.Tyr111*) introduces a premature termination codon predicted to result in loss of normal protein function. Loss-of-function is an established mechanism of disease for this gene. This variant has been reported in individuals with related phenotype. The variant is present at low frequency in population datasets. Based on the available data, this variant is classified as pathogenic.

Ambry Genetics
Classification: Pathogenic for Hereditary cancer-predisposing syndrome. Last evaluated: 2024-02-02. Review status: criteria provided, single submitter. Criteria: Ambry Variant Classification Scheme 2023. Collection method: clinical testing. Allele origin: germline.
Comment: The p.Y111* pathogenic mutation (also known as c.333C>G), located in coding exon 2 of the MSH6 gene, results from a C to G substitution at nucleotide position 333. This changes the amino acid from a tyrosine to a stop codon within coding exon 2. This variant is considered to be rare based on population cohorts in the Genome Aggregation Database (gnomAD). This alteration is expected to result in loss of function by premature protein truncation or nonsense-mediated mRNA decay. As such, this alteration is interpreted as a disease-causing mutation.

Myriad Genetics, Inc.
Classification: Pathogenic for Lynch syndrome 5. Last evaluated: 2023-08-10. Review status: criteria provided, single submitter. Criteria: Myriad Autosomal Dominant, Autosomal Recessive and X-Linked Classification Criteria (2023). Collection method: clinical testing. Allele origin: unknown.
Comment: This variant is considered pathogenic. This variant creates a termination codon and is predicted to result in premature protein truncation.

Labcorp Genetics (formerly Invitae), Labcorp
Classification: Pathogenic for Hereditary nonpolyposis colorectal neoplasms. Last evaluated: 2023-04-17. Review status: criteria provided, single submitter. Criteria: Invitae Variant Classification Sherloc (09022015). Collection method: clinical testing. Allele origin: germline.
Comment: For these reasons, this variant has been classified as Pathogenic. ClinVar contains an entry for this variant (Variation ID: 1076375). This variant has not been reported in the literature in individuals affected with MSH6-related conditions. This variant is not present in population databases (gnomAD no frequency). This sequence change creates a premature translational stop signal (p.Tyr111*) in the MSH6 gene. It is expected to result in an absent or disrupted protein product. Loss-of-function variants in MSH6 are known to be pathogenic (PMID: 18269114, 24362816).

Literature cited by the submitters: PubMed 18269114 (cited by Labcorp Genetics (formerly Invitae), Labcorp); PubMed 24362816 (cited by Labcorp Genetics (formerly Invitae), Labcorp).